The following is an entry in ClinVar:

NM_004738.5(VAPB):c.574-7C>T

Gene: VAPB (VAMP associated protein B and C; plus strand). Cytogenetic location: 20q13.32.
Variant type: single nucleotide variant.
Coding change: c.574-7C>T on transcript NM_004738.5 (MANE Select); 7 bases into the intron before coding-DNA position 574, C replaced by T.
Molecular consequence: intron variant.
Genome position (GRCh38, 1-based): chr20:58,444,070, C>T. VCF-style: chr20-58444070-C-T. GRCh37 (hg19) VCF-style: chr20-57019126-C-T.
Other names: c.574-7C>T (NM_004738.4); c.212-7C>T (NM_001195677.2).
Identifiers: ClinVar variation 2934656 (VCV002934656.4), dbSNP rs924741760, ClinGen allele CA316278610.
Genomic context (GRCh38, chr20:58,444,070, plus strand): 5'-AGCTGTACAGTTGACTCCCCTTTCTGGTGCCTTGGCTTGTCTTTGAAATGTGCGTTTGCT[C>T]CCGTAGGAAGAAGATGGACTGCGGATGAGGAAGACAGTGCAGAGCAACAGCCCCATTTCA-3'

ClinVar aggregate classification (germline): Likely benign. Review status: criteria provided, multiple submitters, no conflicts (2 of 4 stars). 2 submissions from 2 submitters: Likely benign (2). Last evaluated 2026-06-28.

Conditions:
Amyotrophic lateral sclerosis type 8 (ALS8). Identifiers: Orphanet 803, MedGen C1837728, MONDO:0012077, OMIM 608627.
Adult-onset proximal spinal muscular atrophy, autosomal dominant. Also called: FINKEL LATE-ADULT TYPE SMA; Spinal muscular atrophy, late-onset, finkel type. Identifiers: Orphanet 209335, MedGen C1854058, MONDO:0008453, OMIM 182980.
VAPB-related disorder. Also called: VAPB-related condition.

Allele frequency attached by ClinVar (database versions not stated): gnomAD 0.00002; TOPMed 0.00002.
gnomAD v4.1: 6 of 1,614,026 alleles (0.00037%); highest among the groups gnomAD compares: African/African-American, 0.0067%; no homozygotes.

Submissions (2):

PreventionGenetics, part of Exact Sciences
Classification: Likely benign for VAPB-related condition. Last evaluated: 2026-06-28. Review status: criteria provided, single submitter. Criteria: ACMG Guidelines, 2015. Collection method: clinical testing. Allele origin: germline.
Comment: This variant is classified as likely benign based on ACMG/AMP sequence variant interpretation guidelines (Richards et al. 2015 PMID: 25741868, with internal and published modifications).

Labcorp Genetics (formerly Invitae), Labcorp
Classification: Likely benign for Adult-onset proximal spinal muscular atrophy, autosomal dominant; Amyotrophic lateral sclerosis type 8. Last evaluated: 2023-05-07. Review status: criteria provided, single submitter. Criteria: Invitae Variant Classification Sherloc (09022015). Collection method: clinical testing. Allele origin: germline.